The following is an entry in ClinVar:

ClinVar aggregate classification (germline): Pathogenic. Review status: criteria provided, single submitter (1 of 4 stars). 2 submissions from 2 submitters: Pathogenic (1). 1 of the submissions does not count toward it. Last evaluated 2025-06-25.

Conditions:
LRRC56-related disorder. Also called: LRRC56-related condition.

Allele frequency attached by ClinVar (database versions not stated): ExAC 0.00001; gnomAD 0.00002; gnomAD exomes 0.00002; TOPMed 0.00003; ESP Exome Variant Server 0.00008.

Submissions (2):

Labcorp Genetics (formerly Invitae), Labcorp
Classification: Pathogenic. Last evaluated: 2025-06-25. Review status: criteria provided, single submitter. Criteria: Invitae Variant Classification Sherloc (09022015). Collection method: clinical testing. Allele origin: germline.
Comment: This sequence change creates a premature translational stop signal (p.Gln200*) in the LRRC56 gene. It is expected to result in an absent or disrupted protein product. Loss-of-function variants in LRRC56 are known to be pathogenic (PMID: 30388400). This variant is present in population databases (rs138918564, gnomAD 0.005%). This variant has not been reported in the literature in individuals affected with LRRC56-related conditions. ClinVar contains an entry for this variant (Variation ID: 1424810). For these reasons, this variant has been classified as Pathogenic.

PreventionGenetics, part of Exact Sciences
Classification: Likely pathogenic for LRRC56-related condition. Last evaluated: 2024-09-24. Review status: no assertion criteria provided. Collection method: clinical testing. Allele origin: germline. Not counted in ClinVar's aggregate classification.
Comment: The LRRC56 c.598C>T variant is predicted to result in premature protein termination (p.Gln200*). To our knowledge, this variant has not been reported in the literature. This variant is reported in 0.0049% of alleles in individuals of European (Non-Finnish) descent in gnomAD. Nonsense variants in LRRC56 are expected to be pathogenic. This variant is interpreted as likely pathogenic.

Literature cited by the submitters: PubMed 30388400 (cited by Labcorp Genetics (formerly Invitae), Labcorp).

NM_198075.4(LRRC56):c.598C>T (p.Gln200Ter)

Gene: LRRC56 (leucine rich repeat containing 56; plus strand). Cytogenetic location: 11p15.5.
Variant type: single nucleotide variant.
Coding change: c.598C>T on transcript NM_198075.4 (MANE Select); coding-DNA position 598, C replaced by T.
Protein change: p.Gln200Ter; replaces glutamine 200 with a stop codon.
Molecular consequence: nonsense.
Genome position (GRCh38, 1-based): chr11:550,246, C>T. VCF-style: chr11-550246-C-T. GRCh37 (hg19) VCF-style: chr11-550246-C-T.
Other names: c.598C>T (NM_198075.3); short protein forms Q200*.
Identifiers: ClinVar variation 1424810 (VCV001424810.7), dbSNP rs138918564, ClinGen allele CA5779754.
Genomic context (GRCh38, chr11:550,246, plus strand): 5'-TACTTGCAGCTGTGCCCACGCCTGGCCATGCTCACCCTGGAGGGCAACCTGGTGTGCCTA[C>T]AGCCGGCCCCTGGCCCCACCAACAAGGTGCGTGTCCCGGGCACCCGGCCAGCATGTGCAT-3'